The following is an entry in ClinVar:

NM_024675.4(PALB2):c.367G>T (p.Asp123Tyr)

Gene: PALB2 (partner and localizer of BRCA2; minus strand). Cytogenetic location: 16p12.2.
Variant type: single nucleotide variant.
Coding change: c.367G>T on transcript NM_024675.4 (MANE Select); coding-DNA position 367, G replaced by T.
Protein change: p.Asp123Tyr; replaces aspartic acid 123 with tyrosine.
Molecular consequence: missense variant. On other transcripts: 5 prime UTR variant (8), intron variant (3).
Genome position (GRCh38, 1-based): chr16:23,636,179, C>A on the plus strand (G>T on the coding strand, the complement: PALB2 is on the minus strand). VCF-style: chr16-23636179-C-A. GRCh37 (hg19) VCF-style: chr16-23647500-C-A.
Other names: c.307G>T, p.Asp103Tyr (NM_001407296.1); c.367G>T, p.Asp123Tyr (NM_001407297.1, NM_001407298.1, NM_001407299.1 and 3 more transcripts); c.-519G>T (NM_001407304.1, NM_001407305.1, NM_001407306.1 and 5 more transcripts); c.48+4931G>T (NM_001407314.1); c.-105+4931G>T (NM_001407313.1, NM_001407312.1); short protein forms D123Y, D103Y.
Identifiers: ClinVar variation 2453306 (VCV002453306.2), dbSNP rs1967051717, ClinGen allele CA395137550.

ClinVar aggregate classification (germline): Uncertain significance (1 of 4 stars; one submission).

Conditions:
Hereditary cancer-predisposing syndrome. Also called: Neoplastic Syndromes, Hereditary; Tumor predisposition; Hereditary neoplastic syndrome; Hereditary Cancer Syndrome. Identifiers: Orphanet 140162, MedGen C0027672, MeSH D009386, MONDO:0015356.

Submission:

Ambry Genetics
Classification: Uncertain significance for Hereditary cancer-predisposing syndrome. Last evaluated: 2023-02-05. Review status: criteria provided, single submitter. Criteria: Ambry Variant Classification Scheme 2023. Collection method: clinical testing. Allele origin: germline.
Comment: The p.D123Y variant (also known as c.367G>T), located in coding exon 4 of the PALB2 gene, results from a G to T substitution at nucleotide position 367. The aspartic acid at codon 123 is replaced by tyrosine, an amino acid with highly dissimilar properties. This amino acid position is conserved. In addition, this alteration is predicted to be tolerated by in silico analysis. Since supporting evidence is limited at this time, the clinical significance of this alteration remains unclear.